The following is an entry in ClinVar:

NM_020745.4(AARS2):c.2654T>G (p.Val885Gly)

Gene: AARS2 (alanyl-tRNA synthetase 2, mitochondrial; minus strand). Cytogenetic location: 6p21.1.
Variant type: single nucleotide variant.
Coding change: c.2654T>G on transcript NM_020745.4 (MANE Select); coding-DNA position 2654, T replaced by G.
Protein change: p.Val885Gly; replaces valine 885 with glycine.
Molecular consequence: missense variant.
Genome position (GRCh38, 1-based): chr6:44,301,409, A>C on the plus strand (T>G on the coding strand, the complement: AARS2 is on the minus strand). VCF-style: chr6-44301409-A-C. GRCh37 (hg19) VCF-style: chr6-44269146-A-C.
Other names: c.2654T>G (NM_020745.2); short protein forms V885G.
Identifiers: ClinVar variation 2087089 (VCV002087089.5), dbSNP rs1002993835, ClinGen allele CA364336030.

ClinVar aggregate classification (germline): Uncertain significance. Review status: criteria provided, multiple submitters, no conflicts (2 of 4 stars). 2 submissions from 2 submitters: Uncertain significance (2). Last evaluated 2024-12-13.

Conditions:
Inborn genetic diseases. Identifiers: MedGen C0950123, MeSH D030342.

Allele frequency attached by ClinVar (database versions not stated): TOPMed below 0.00001.
gnomAD v4.1: 4 of 1,613,844 alleles (0.00025%); highest among the groups gnomAD compares: Non-Finnish European, 0.00034%; no homozygotes.

Submissions (2):

Ambry Genetics
Classification: Uncertain significance for Inborn genetic diseases. Last evaluated: 2024-12-13. Review status: criteria provided, single submitter. Criteria: Ambry Variant Classification Scheme 2023. Collection method: clinical testing. Allele origin: germline.
Comment: The c.2654T>G (p.V885G) alteration is located in exon 20 (coding exon 20) of the AARS2 gene. This alteration results from a T to G substitution at nucleotide position 2654, causing the valine (V) at amino acid position 885 to be replaced by a glycine (G). Based on data from gnomAD, the G allele has an overall frequency of 0.013% (4/31370) total alleles studied. The highest observed frequency was 0.026% (4/15408) of European (non-Finnish) alleles. This amino acid position is well conserved in available vertebrate species. This alteration is predicted to be deleterious by in silico analysis. Based on insufficient or conflicting evidence, the clinical significance of this alteration remains unclear.

Labcorp Genetics (formerly Invitae), Labcorp
Classification: Uncertain significance. Last evaluated: 2022-07-06. Review status: criteria provided, single submitter. Criteria: Invitae Variant Classification Sherloc (09022015). Collection method: clinical testing. Allele origin: germline.
Comment: In summary, the available evidence is currently insufficient to determine the role of this variant in disease. Therefore, it has been classified as a Variant of Uncertain Significance. Advanced modeling of protein sequence and biophysical properties (such as structural, functional, and spatial information, amino acid conservation, physicochemical variation, residue mobility, and thermodynamic stability) performed at Invitae indicates that this missense variant is expected to disrupt AARS2 protein function. This variant has not been reported in the literature in individuals affected with AARS2-related conditions. This variant is present in population databases (no rsID available, gnomAD 0.03%). This sequence change replaces valine, which is neutral and non-polar, with glycine, which is neutral and non-polar, at codon 885 of the AARS2 protein (p.Val885Gly).